The following is an entry in ClinVar:

NM_005676.5(RBM10):c.1891G>C (p.Ala631Pro)

Gene: RBM10 (RNA binding motif protein 10; plus strand). Cytogenetic location: Xp11.3.
Variant type: single nucleotide variant.
Coding change: c.1891G>C on transcript NM_005676.5 (MANE Select); coding-DNA position 1891, G replaced by C.
Protein change: p.Ala631Pro; replaces alanine 631 with proline.
Molecular consequence: missense variant.
Genome position (GRCh38, 1-based): chrX:47,182,267, G>C. VCF-style: chrX-47182267-G-C. GRCh37 (hg19) VCF-style: chrX-47041666-G-C.
Other names: c.2086G>C (NM_001204468.1); c.1660G>C, p.Ala554Pro (NM_001204466.2); c.1888G>C, p.Ala630Pro (NM_001204467.2); c.2086G>C, p.Ala696Pro (NM_001204468.2); c.1657G>C, p.Ala553Pro (NM_152856.3); short protein forms A553P, A554P, A630P, A631P, A696P.
Identifiers: ClinVar variation 1206235 (VCV001206235.17), dbSNP rs79693964, ClinGen allele CA10395392.

ClinVar aggregate classification (germline): Benign/Likely benign. Review status: criteria provided, multiple submitters, no conflicts (2 of 4 stars). 7 submissions from 7 submitters: Benign (4); Likely benign (1). 2 of the submissions do not count toward it. Last evaluated 2026-02-03.

Conditions:
TARP syndrome (TARPS). Also called: PIERRE ROBIN SYNDROME WITH CONGENITAL HEART MALFORMATION AND CLUBFOOT; TALIPES EQUINOVARUS, ATRIAL SEPTAL DEFECT, ROBIN SEQUENCE, AND PERSISTENCE OF LEFT SUPERIOR VENA CAVA. Identifiers: Orphanet 2886, MedGen C1839463, MONDO:0010711, OMIM 311900.

Allele frequency attached by ClinVar (database versions not stated): 1000 Genomes Project 30x 0.00957; 1000 Genomes Project 0.01033; TOPMed 0.01303; ESP Exome Variant Server 0.01382; gnomAD 0.01666 and 0.01703; gnomAD exomes 0.01748 and 0.02140; ExAC 0.01889.

Submissions (7):

Labcorp Genetics (formerly Invitae), Labcorp
Classification: Benign. Last evaluated: 2026-02-03. Review status: criteria provided, single submitter. Criteria: Invitae Variant Classification Sherloc (09022015). Collection method: clinical testing. Allele origin: germline.

Blueprint Genetics
Classification: Benign. Last evaluated: 2024-11-28. Review status: criteria provided, single submitter. Criteria: ACMG Guidelines, 2015. Collection method: clinical testing. Allele origin: germline.

Victorian Clinical Genetics Services, Murdoch Childrens Research Institute
Classification: Likely benign for TARP syndrome. Last evaluated: 2023-07-17. Review status: criteria provided, single submitter. Criteria: ACMG Guidelines, 2015. Collection method: clinical testing. Allele origin: germline. Inheritance: X-linked recessive inheritance.
Comment: Based on the classification scheme VCGS_Germline_v1.3.4, this variant is classified as likely benign. Following criteria are met: 0308 - Population frequency for this variant is out of keeping with known incidence of TARP syndrome (MIM#311900), with 1,245 hemizygotes and 48 homozygotes in gnomAD v2. (SB) Legend: (SP) - Supporting pathogenic, (I) - Information, (SB) - Supporting benign

GeneDx
Classification: Benign. Last evaluated: 2018-07-14. Review status: criteria provided, single submitter. Criteria: GeneDx Variant Classification Process June 2021. Collection method: clinical testing. Allele origin: germline. Affected: yes.

Breakthrough Genomics
Classification: Benign. Review status: criteria provided, single submitter. Criteria: ACMG Guidelines, 2015. Collection method: not provided. Allele origin: germline. Inheritance: X-linked inheritance. Affected: yes.

Genome Diagnostics Laboratory, University Medical Center Utrecht
Classification: Likely benign. Review status: no assertion criteria provided. Collection method: clinical testing. Allele origin: germline. Affected: yes. Study: VKGL Data-share Consensus. Not counted in ClinVar's aggregate classification.

Laboratory of Diagnostic Genome Analysis, Leiden University Medical Center (LUMC)
Classification: Likely benign. Review status: no assertion criteria provided. Collection method: clinical testing. Allele origin: germline. Affected: yes. Study: VKGL Data-share Consensus. Not counted in ClinVar's aggregate classification.